The following is an entry in ClinVar:

ClinVar aggregate classification (germline): Benign. Review status: criteria provided, multiple submitters, no conflicts (2 of 4 stars). 6 submissions from 6 submitters: Benign (4). 2 of the submissions do not count toward it. Last evaluated 2026-02-01.

Conditions:
LDHA-related disorder. Also called: LDHA-related condition.
Glycogen storage disease due to lactate dehydrogenase M-subunit deficiency (GSD11). Also called: Glycogen storage disease XI; GSD XI; LACTATE DEHYDROGENASE A DEFICIENCY. Identifiers: Orphanet 284426, MedGen C2931743, MONDO:0013047, OMIM 612933.

Allele frequency attached by ClinVar (database versions not stated): gnomAD 0.00179 and 0.00181; 1000 Genomes Project 0.00240; 1000 Genomes Project 30x 0.00250; ExAC 0.00255; gnomAD exomes 0.00365 and 0.00088; ESP Exome Variant Server 0.00008; TOPMed 0.00282.
gnomAD v4.1: 1,544 of 1,590,626 alleles (0.097%); highest among the groups gnomAD compares: Admixed American, 1.9%; 20 homozygotes.

Submissions (6):

Labcorp Genetics (formerly Invitae), Labcorp
Classification: Benign for Glycogen storage disease due to lactate dehydrogenase M-subunit deficiency. Last evaluated: 2026-02-01. Review status: criteria provided, single submitter. Criteria: Invitae Variant Classification Sherloc (09022015). Collection method: clinical testing. Allele origin: germline.

Illumina Laboratory Services, Illumina
Classification: Benign for Glycogen storage disease due to lactate dehydrogenase M-subunit deficiency. Last evaluated: 2017-04-27. Review status: criteria provided, single submitter. Criteria: ICSL Variant Classification Criteria 13 December 2019. Collection method: clinical testing. Allele origin: germline.
Comment: This variant was observed as part of a predisposition screen in an ostensibly healthy population. A literature search was performed for the gene, cDNA change, and amino acid change (where applicable). No publications were found based on this search. Allele frequency data from public databases was too high to be consistent with this variant causing disease. Therefore, this variant is classified as benign.

GeneDx
Classification: Benign. Last evaluated: 2016-04-13. Review status: criteria provided, single submitter. Criteria: GeneDx Variant Classification (06012015). Collection method: clinical testing. Allele origin: germline. Affected: yes.
Comment: This variant is considered likely benign or benign based on one or more of the following criteria: it is a conservative change, it occurs at a poorly conserved position in the protein, it is predicted to be benign by multiple in silico algorithms, and/or has population frequency not consistent with disease.

Breakthrough Genomics
Classification: Benign. Review status: criteria provided, single submitter. Criteria: ACMG Guidelines, 2015. Collection method: not provided. Allele origin: germline. Inheritance: Autosomal recessive inheritance. Affected: yes.

PreventionGenetics, part of Exact Sciences
Classification: Benign for LDHA-related condition. Last evaluated: 2019-07-02. Review status: no assertion criteria provided. Collection method: clinical testing. Allele origin: germline. Not counted in ClinVar's aggregate classification.
Comment: This variant is classified as benign based on ACMG/AMP sequence variant interpretation guidelines (Richards et al. 2015 PMID: 25741868, with internal and published modifications).

Mayo Clinic Laboratories, Mayo Clinic
Classification: Likely benign. Last evaluated: 2017-04-24. Review status: no assertion criteria provided. Collection method: clinical testing. Allele origin: unknown. Not counted in ClinVar's aggregate classification.

NM_005566.4(LDHA):c.608G>C (p.Gly203Ala)

Gene: LDHA (lactate dehydrogenase A; plus strand). Cytogenetic location: 11p15.1.
Variant type: single nucleotide variant.
Coding change: c.608G>C on transcript NM_005566.4 (MANE Select); coding-DNA position 608, G replaced by C.
Protein change: p.Gly203Ala; replaces glycine 203 with alanine.
Molecular consequence: missense variant. On other transcripts: non-coding transcript variant (1).
Genome position (GRCh38, 1-based): chr11:18,403,709, G>C. VCF-style: chr11-18403709-G-C. GRCh37 (hg19) VCF-style: chr11-18425256-G-C.
Other names: c.434G>C, p.Gly145Ala (NM_001135239.2); c.695G>C, p.Gly232Ala (NM_001165414.2); c.608G>C, p.Gly203Ala (NM_001165415.2, NM_001165416.2); short protein forms G203A, G145A, G232A.
Identifiers: ClinVar variation 381424 (VCV000381424.22), dbSNP rs34305721, ClinGen allele CA5911346.